The following is an entry in ClinVar:

NM_033453.4(ITPA):c.201C>T (p.Pro67=)

Gene: ITPA (inosine triphosphatase; plus strand). Cytogenetic location: 20p13.
Variant type: single nucleotide variant.
Coding change: c.201C>T on transcript NM_033453.4 (MANE Select); coding-DNA position 201, C replaced by T.
Protein change: p.Pro67=; no amino-acid change (proline 67 retained).
Molecular consequence: synonymous variant. On other transcripts: 5 prime UTR variant (4), non-coding transcript variant (2).
Genome position (GRCh38, 1-based): chr20:3,213,996, C>T. VCF-style: chr20-3213996-C-T. GRCh37 (hg19) VCF-style: chr20-3194642-C-T.
Other names: p.Pro67=; c.78C>T, p.Pro26= (NM_001267623.2); c.-137C>T (NM_001324236.2, NM_001324237.2, NM_001324238.2 and 1 more transcripts); c.201C>T, p.Pro67= (NM_001324240.2); c.150C>T, p.Pro50= (NM_181493.4).
Identifiers: ClinVar variation 751865 (VCV000751865.13), dbSNP rs1456656667, ClinGen allele CA509411243.

ClinVar aggregate classification (germline): Likely benign. Review status: criteria provided, multiple submitters, no conflicts (2 of 4 stars). 3 submissions from 3 submitters: Likely benign (3). Last evaluated 2025-07-14.

Conditions:
Inosine triphosphatase deficiency. Also called: INOSINE TRIPHOSPHATE PYROPHOSPHOHYDROLASE DEFICIENCY. Identifiers: MedGen C0342800, MONDO:0013461, OMIM 613850.

Allele frequency attached by ClinVar (database versions not stated): gnomAD 0.00001; gnomAD exomes 0.00001; TOPMed 0.00001.
gnomAD v4.1: 18 of 1,614,028 alleles (0.0011%); highest among the groups gnomAD compares: African/African-American, 0.004%; no homozygotes.

Submissions (3):

Labcorp Genetics (formerly Invitae), Labcorp
Classification: Likely benign for Inosine triphosphatase deficiency. Last evaluated: 2025-07-14. Review status: criteria provided, single submitter. Criteria: Invitae Variant Classification Sherloc (09022015). Collection method: clinical testing. Allele origin: germline.

Mayo Clinic Laboratories, Mayo Clinic
Classification: Likely benign. Last evaluated: 2025-03-05. Review status: criteria provided, single submitter. Criteria: ACMG Guidelines, 2015. Collection method: clinical testing. Allele origin: germline. Observed: 1 variant allele.
Comment: BP4, BP7

Blueprint Genetics
Classification: Likely benign. Last evaluated: 2024-04-25. Review status: criteria provided, single submitter. Criteria: ACMG Guidelines, 2015. Collection method: clinical testing. Allele origin: germline.